The following is an entry in ClinVar:

NM_002905.5(RDH5):c.248dup (p.Thr84fs)

Genes: BLOC1S1-RDH5 (BLOC1S1-RDH5 readthrough; plus strand), RDH5 (retinol dehydrogenase 5; plus strand). Cytogenetic location: 12q13.2.
Variant type: Duplication.
Coding change: c.248dup on transcript NM_002905.5 (MANE Select); coding-DNA position 248, one base duplicated (T; older notation c.248dupT).
Protein change: p.Thr84fs; shifts the reading frame from threonine 84.
Molecular consequence: frameshift variant.
Genome position (GRCh38, 1-based): chr12:55,721,432, T duplicated. VCF-style (leftmost placement, unchanged base first): chr12-55721431-A-AT. GRCh37 (hg19) VCF-style: chr12-56115215-A-AT.
Other names: c.248dup, p.Thr84fs (NM_001199771.3); short protein forms T84fs.
Identifiers: ClinVar variation 930528 (VCV000930528.3), dbSNP rs1876913255, ClinGen allele CA1139662735.

ClinVar aggregate classification (germline): Likely pathogenic (1 of 4 stars; one submission).

Conditions:
Pigmentary retinal dystrophy. Also called: Fundus albipunctatus. Identifiers: Orphanet 227796, Orphanet 52427, MedGen C0311338, MONDO:0007639, OMIM 136880, HP:0030642.

Submission:

Centre for Mendelian Genomics, University Medical Centre Ljubljana
Classification: Likely pathogenic for Pigmentary retinal dystrophy. Last evaluated: 2019-09-12. Review status: criteria provided, single submitter. Criteria: ACMG Guidelines, 2015. Collection method: clinical testing. Allele origin: unknown. Affected: yes.
Comment: This variant was classified as: Likely pathogenic. The following ACMG criteria were applied in classifying this variant: PVS1,PM2.